The following is an entry in ClinVar:

ClinVar aggregate classification (germline): Benign. Review status: criteria provided, multiple submitters, no conflicts (2 of 4 stars). 4 submissions from 4 submitters: Benign (4). Last evaluated 2026-02-01.

Allele frequency attached by ClinVar (database versions not stated): gnomAD exomes 0.00222; ExAC 0.00464; ESP Exome Variant Server 0.00635; gnomAD 0.00785 and 0.00833; TOPMed 0.00965; 1000 Genomes Project 0.00978; 1000 Genomes Project 30x 0.01093.
gnomAD v4.1: 2,646 of 1,595,452 alleles (0.17%); highest among the groups gnomAD compares: African/African-American, 2.6%; 32 homozygotes.

Submissions (4):

Labcorp Genetics (formerly Invitae), Labcorp
Classification: Benign. Last evaluated: 2026-02-01. Review status: criteria provided, single submitter. Criteria: Invitae Variant Classification Sherloc (09022015). Collection method: clinical testing. Allele origin: germline.

GeneDx
Classification: Benign. Last evaluated: 2017-10-24. Review status: criteria provided, single submitter. Criteria: GeneDx Variant Classification (06012015). Collection method: clinical testing. Allele origin: germline. Affected: yes.
Comment: This variant is considered likely benign or benign based on one or more of the following criteria: it is a conservative change, it occurs at a poorly conserved position in the protein, it is predicted to be benign by multiple in silico algorithms, and/or has population frequency not consistent with disease.

Laboratory for Molecular Medicine, Mass General Brigham Personalized Medicine
Classification: Benign. Last evaluated: 2013-02-21. Review status: criteria provided, single submitter. Criteria: LMM Criteria. Collection method: clinical testing. Allele origin: germline. Observed: 1 variant allele.
Comment: Cys1537Cys in exon 32 of LTBP4: This variant is not expected to have clinical si gnificance because it does not alter an amino acid residue and is not located wi thin the splice consensus sequence. It has been identified in 1.9% (81/4258) of African American chromosomes from a broad population by the NHLBI Exome Sequenci ng Project (dbSNP rs115718556).

Breakthrough Genomics
Classification: Benign. Review status: criteria provided, single submitter. Criteria: ACMG Guidelines, 2015. Collection method: not provided. Allele origin: germline. Inheritance: Autosomal recessive inheritance. Affected: yes.

NM_001042545.2(LTBP4):c.4410C>T (p.Cys1470=)

Gene: LTBP4 (latent transforming growth factor beta binding protein 4; plus strand). Cytogenetic location: 19q13.2.
Variant type: single nucleotide variant.
Coding change: c.4410C>T on transcript NM_001042545.2 (MANE Select); coding-DNA position 4410, C replaced by T.
Protein change: p.Cys1470=; no amino-acid change (cysteine 1470 retained).
Molecular consequence: synonymous variant.
Genome position (GRCh38, 1-based): chr19:40,627,748, C>T. VCF-style: chr19-40627748-C-T. GRCh37 (hg19) VCF-style: chr19-41133653-C-T.
Other names: NM_001042544.1:c.4611C>T; p.Cys1537Cys; c.4611C>T, p.Cys1537= (NM_001042544.1); c.4500C>T, p.Cys1500= (NM_003573.2).
Identifiers: ClinVar variation 389395 (VCV000389395.16), dbSNP rs115718556, ClinGen allele CA9449314.